The following is an entry in ClinVar:

NM_014712.3(SETD1A):c.1276C>G (p.Arg426Gly)

Gene: SETD1A (SET domain containing 1A, histone lysine methyltransferase; plus strand). Cytogenetic location: 16p11.2.
Variant type: single nucleotide variant.
Coding change: c.1276C>G on transcript NM_014712.3 (MANE Select); coding-DNA position 1276, C replaced by G.
Protein change: p.Arg426Gly; replaces arginine 426 with glycine.
Molecular consequence: missense variant.
Genome position (GRCh38, 1-based): chr16:30,965,018, C>G. VCF-style: chr16-30965018-C-G. GRCh37 (hg19) VCF-style: chr16-30976339-C-G.
Other names: short protein forms R426G.
Identifiers: ClinVar variation 4885923 (VCV004885923.2).

ClinVar aggregate classification (germline): Uncertain significance (1 of 4 stars; one submission).

Submission:

Dasa
Classification: Uncertain significance. Last evaluated: 2025-04-14. Review status: criteria provided, single submitter. Criteria: DASA Assertion Criteria. Collection method: clinical testing. Allele origin: germline.
Comment: NM_014712.3(SETD1A):c.1276C>G (p.Arg426Gly) is a missense variant that results in the substitution of arginine with glycine. This variant is absent from population databases. The currently available literature and clinical evidence are not sufficient to establish a definitive association between this variant and the reported condition. Therefore, this variant is classified as a variant of uncertain significance.